The following is an entry in ClinVar:

ClinVar aggregate classification (germline): Uncertain significance (1 of 4 stars; one submission).

Conditions:
Inborn genetic diseases. Identifiers: MedGen C0950123, MeSH D030342.

Submission:

Ambry Genetics
Classification: Uncertain significance for Inborn genetic diseases. Last evaluated: 2026-05-27. Review status: criteria provided, single submitter. Criteria: Ambry Variant Classification Scheme 2023. Collection method: clinical testing. Allele origin: germline.
Comment: The c.121A>C (p.T41P) alteration is located in exon 2 (coding exon 2) of the TUBA1A gene. This alteration results from an A to C substitution at nucleotide position 121, causing the threonine (T) at amino acid position 41 to be replaced by a proline (P). This variant was not reported in population-based cohorts in the Genome Aggregation Database (gnomAD). This amino acid position is well conserved in available vertebrate species. The in silico prediction for this alteration is inconclusive. Based on insufficient or conflicting evidence, the clinical significance of this alteration remains unclear.

NM_006009.4(TUBA1A):c.121A>C (p.Thr41Pro)

Gene: TUBA1A (tubulin alpha 1a; minus strand). Cytogenetic location: 12q13.12.
Variant type: single nucleotide variant.
Coding change: c.121A>C on transcript NM_006009.4 (MANE Select); coding-DNA position 121, A replaced by C.
Protein change: p.Thr41Pro; replaces threonine 41 with proline.
Molecular consequence: missense variant.
Genome position (GRCh38, 1-based): chr12:49,186,716, T>G on the plus strand (A>C on the coding strand, the complement: TUBA1A is on the minus strand). VCF-style: chr12-49186716-T-G. GRCh37 (hg19) VCF-style: chr12-49580499-T-G.
Other names: c.121A>C, p.Thr41Pro (NM_001270399.2); c.16A>C, p.Thr6Pro (NM_001270400.2); short protein forms T41P, T6P.
Identifiers: ClinVar variation 4866257 (VCV004866257.1).